The following is an entry in ClinVar:

ClinVar aggregate classification (germline): Likely benign (0 of 4 stars; one submission).

Conditions:
KMT2A-related disorder. Also called: KMT2A-related condition.

gnomAD v4.1: 2 of 1,614,196 alleles (0.00012%); highest among the groups gnomAD compares: Admixed American, 0.0033%; no homozygotes.

Submission:

PreventionGenetics, part of Exact Sciences
Classification: Likely benign for KMT2A-related condition. Last evaluated: 2024-08-06. Review status: no assertion criteria provided. Collection method: clinical testing. Allele origin: germline.
Comment: This variant is classified as likely benign based on ACMG/AMP sequence variant interpretation guidelines (Richards et al. 2015 PMID: 25741868, with internal and published modifications).

NM_001197104.2(KMT2A):c.10581G>T (p.Arg3527=)

Gene: KMT2A (lysine methyltransferase 2A; plus strand). Cytogenetic location: 11q23.3.
Variant type: single nucleotide variant.
Coding change: c.10581G>T on transcript NM_001197104.2 (MANE Select); coding-DNA position 10581, G replaced by T.
Protein change: p.Arg3527=; no amino-acid change (arginine 3527 retained).
Molecular consequence: synonymous variant.
Genome position (GRCh38, 1-based): chr11:118,506,473, G>T. VCF-style: chr11-118506473-G-T. GRCh37 (hg19) VCF-style: chr11-118377188-G-T.
Other names: c.10671G>T, p.Arg3557= (NM_001412597.1); c.10572G>T, p.Arg3524= (NM_005933.4).
Identifiers: ClinVar variation 3356485 (VCV003356485.1).